The following is an entry in ClinVar:

NM_006767.4(LZTR1):c.91G>A (p.Asp31Asn)

Genes: LZTR1 (leucine zipper like post translational regulator 1; plus strand), LOC130067016 (ATAC-STARR-seq lymphoblastoid silent region 13504; plus strand). Cytogenetic location: 22q11.21.
Variant type: single nucleotide variant.
Coding change: c.91G>A on transcript NM_006767.4 (MANE Select); coding-DNA position 91, G replaced by A.
Protein change: p.Asp31Asn; replaces aspartic acid 31 with asparagine.
Molecular consequence: missense variant.
Genome position (GRCh38, 1-based): chr22:20,982,462, G>A. VCF-style: chr22-20982462-G-A. GRCh37 (hg19) VCF-style: chr22-21336751-G-A.
Other names: short protein forms D31N.
Identifiers: ClinVar variation 3541602 (VCV003541602.1).

ClinVar aggregate classification (germline): Uncertain significance (1 of 4 stars; one submission).

Conditions:
Hereditary cancer-predisposing syndrome. Also called: Hereditary Cancer Syndrome; Hereditary neoplastic syndrome; Tumor predisposition; Neoplastic Syndromes, Hereditary. Identifiers: Orphanet 140162, MedGen C0027672, MeSH D009386, MONDO:0015356.
Cardiovascular phenotype. Identifiers: MedGen CN230736.

Submission:

Ambry Genetics
Classification: Uncertain significance for Cardiovascular phenotype; Hereditary cancer-predisposing syndrome. Last evaluated: 2024-08-10. Review status: criteria provided, single submitter. Criteria: Ambry Variant Classification Scheme 2023. Collection method: clinical testing. Allele origin: germline.
Comment: The p.D31N variant (also known as c.91G>A), located in coding exon 1 of the LZTR1 gene, results from a G to A substitution at nucleotide position 91. The aspartic acid at codon 31 is replaced by asparagine, an amino acid with highly similar properties. This amino acid position is conserved. In addition, this alteration is predicted to be tolerated by in silico analysis. Based on the available evidence, the clinical significance of this variant remains unclear.